The following is an entry in ClinVar:

ClinVar aggregate classification (germline): Uncertain significance (1 of 4 stars; one submission).

Submission:

Labcorp Genetics (formerly Invitae), Labcorp
Classification: Uncertain significance. Last evaluated: 2025-12-29. Review status: criteria provided, single submitter. Criteria: Invitae Variant Classification Sherloc (09022015). Collection method: clinical testing. Allele origin: germline.
Comment: This sequence change replaces proline, which is neutral and non-polar, with leucine, which is neutral and non-polar, at codon 5334 of the HMCN1 protein (p.Pro5334Leu). This variant is not present in population databases (gnomAD no frequency). This variant has not been reported in the literature in individuals affected with HMCN1-related conditions. An algorithm developed to predict the effect of missense changes on protein structure and function (PolyPhen-2) suggests that this variant is likely to be disruptive. In summary, the available evidence is currently insufficient to determine the role of this variant in disease. Therefore, it has been classified as a Variant of Uncertain Significance.

NM_031935.3(HMCN1):c.16001C>T (p.Pro5334Leu)

Gene: HMCN1 (hemicentin 1; plus strand). Cytogenetic location: 1q31.1.
Variant type: single nucleotide variant.
Coding change: c.16001C>T on transcript NM_031935.3 (MANE Select); coding-DNA position 16001, C replaced by T.
Protein change: p.Pro5334Leu; replaces proline 5334 with leucine.
Molecular consequence: missense variant.
Genome position (GRCh38, 1-based): chr1:186,178,473, C>T. VCF-style: chr1-186178473-C-T. GRCh37 (hg19) VCF-style: chr1-186147605-C-T.
Other names: short protein forms P5334L.
Identifiers: ClinVar variation 4804914 (VCV004804914.1).